The following is an entry in ClinVar:

ClinVar aggregate classification (germline): Conflicting classifications of pathogenicity. Review status: criteria provided, conflicting classifications (1 of 4 stars). 2 submissions from 2 submitters: Uncertain significance (1); Likely benign (1). Last evaluated 2026-04-16.

Conditions:
Hereditary cancer-predisposing syndrome. Also called: Tumor predisposition; Neoplastic Syndromes, Hereditary; Hereditary Cancer Syndrome; Hereditary neoplastic syndrome. Identifiers: Orphanet 140162, MedGen C0027672, MeSH D009386, MONDO:0015356.
Cardiovascular phenotype. Identifiers: MedGen CN230736.
Neurofibromatosis, type 1 (NF1). Also called: NEUROFIBROMATOSIS, TYPE I, SOMATIC; Peripheral type neurofibromatosis; VON RECKLINGHAUSEN DISEASE; Neurofibromatosis, type I. Identifiers: Orphanet 636, MedGen C0027831, MONDO:0018975, OMIM 162200. Disease mechanism: loss of function.

Allele frequency attached by ClinVar (database versions not stated): TOPMed below 0.00001.

Submissions (2):

Ambry Genetics
Classification: Likely benign for Cardiovascular phenotype; Hereditary cancer-predisposing syndrome. Last evaluated: 2026-04-16. Review status: criteria provided, single submitter. Criteria: Ambry Variant Classification Scheme 2023. Collection method: clinical testing. Allele origin: germline.

Labcorp Genetics (formerly Invitae), Labcorp
Classification: Uncertain significance for Neurofibromatosis, type 1. Last evaluated: 2024-04-15. Review status: criteria provided, single submitter. Criteria: Invitae Variant Classification Sherloc (09022015). Collection method: clinical testing. Allele origin: germline.
Comment: This sequence change replaces histidine, which is basic and polar, with tyrosine, which is neutral and polar, at codon 4 of the NF1 protein (p.His4Tyr). This variant is not present in population databases (gnomAD no frequency). This missense change has been observed in individual(s) with breast cancer (PMID: 30287823). ClinVar contains an entry for this variant (Variation ID: 1438543). Advanced modeling of protein sequence and biophysical properties (such as structural, functional, and spatial information, amino acid conservation, physicochemical variation, residue mobility, and thermodynamic stability) has been performed at Invitae for this missense variant, however the output from this modeling did not meet the statistical confidence thresholds required to predict the impact of this variant on NF1 protein function. In summary, the available evidence is currently insufficient to determine the role of this variant in disease. Therefore, it has been classified as a Variant of Uncertain Significance.

Literature cited by the submitters: PubMed 30287823 (cited by Labcorp Genetics (formerly Invitae), Labcorp).

NM_001042492.3(NF1):c.10C>T (p.His4Tyr)

Genes: MIR4733HG (MIR4733 host gene; minus strand), NF1 (neurofibromin 1; plus strand), LOC111811965 (NF1 (neurofibromin 1) promoter region; plus strand). Cytogenetic location: 17q11.2.
Variant type: single nucleotide variant.
Coding change: c.10C>T on transcript NM_001042492.3 (MANE Select); coding-DNA position 10, C replaced by T.
Protein change: p.His4Tyr; replaces histidine 4 with tyrosine.
Molecular consequence: missense variant. On other transcripts: non-coding transcript variant (1).
Genome position (GRCh38, 1-based): chr17:31,095,319, C>T. VCF-style: chr17-31095319-C-T. GRCh37 (hg19) VCF-style: chr17-29422337-C-T.
Other names: c.10C>T, p.His4Tyr (NM_000267.4, NM_001128147.3); short protein forms H4Y.
Identifiers: ClinVar variation 1438543 (VCV001438543.7), dbSNP rs1911551060, ClinGen allele CA398979188.